The following is an entry in ClinVar:

ClinVar aggregate classification (germline): Uncertain significance (1 of 4 stars; one submission).

Conditions:
Lethal multiple pterygium syndrome (LMPS). Identifiers: Orphanet 33108, MedGen C1854678, MONDO:0009668, OMIM 253290.

gnomAD v4.1: 1 of 1,613,800 alleles (0.000062%); highest among the groups gnomAD compares: Non-Finnish European, 0.000085%; no homozygotes.

Submission:

Labcorp Genetics (formerly Invitae), Labcorp
Classification: Uncertain significance for Lethal multiple pterygium syndrome. Last evaluated: 2024-10-21. Review status: criteria provided, single submitter. Criteria: Invitae Variant Classification Sherloc (09022015). Collection method: clinical testing. Allele origin: germline.
Comment: This sequence change replaces proline, which is neutral and non-polar, with threonine, which is neutral and polar, at codon 41 of the CHRNA1 protein (p.Pro41Thr). This variant is not present in population databases (gnomAD no frequency). This variant has not been reported in the literature in individuals affected with CHRNA1-related conditions. Invitae Evidence Modeling of protein sequence and biophysical properties (such as structural, functional, and spatial information, amino acid conservation, physicochemical variation, residue mobility, and thermodynamic stability) indicates that this missense variant is expected to disrupt CHRNA1 protein function with a positive predictive value of 80%. In summary, the available evidence is currently insufficient to determine the role of this variant in disease. Therefore, it has been classified as a Variant of Uncertain Significance.

NM_000079.4(CHRNA1):c.121C>A (p.Pro41Thr)

Gene: CHRNA1 (cholinergic receptor nicotinic alpha 1 subunit; minus strand). Cytogenetic location: 2q31.1.
Variant type: single nucleotide variant.
Coding change: c.121C>A on transcript NM_000079.4 (MANE Select); coding-DNA position 121, C replaced by A.
Protein change: p.Pro41Thr; replaces proline 41 with threonine.
Molecular consequence: missense variant.
Genome position (GRCh38, 1-based): chr2:174,759,556, G>T on the plus strand (C>A on the coding strand, the complement: CHRNA1 is on the minus strand). VCF-style: chr2-174759556-G-T. GRCh37 (hg19) VCF-style: chr2-175624284-G-T.
Other names: c.121C>A, p.Pro41Thr (NM_001039523.3); short protein forms P41T.
Identifiers: ClinVar variation 3679728 (VCV003679728.2).